The following is an entry in ClinVar:

NM_004714.3(DYRK1B):c.368G>C (p.Gly123Ala)

Gene: DYRK1B (dual specificity tyrosine phosphorylation regulated kinase 1B; minus strand). Cytogenetic location: 19q13.2.
Variant type: single nucleotide variant.
Coding change: c.368G>C on transcript NM_004714.3 (MANE Select); coding-DNA position 368, G replaced by C.
Protein change: p.Gly123Ala; replaces glycine 123 with alanine.
Molecular consequence: missense variant.
Genome position (GRCh38, 1-based): chr19:39,830,379, C>G on the plus strand (G>C on the coding strand, the complement: DYRK1B is on the minus strand). VCF-style: chr19-39830379-C-G. GRCh37 (hg19) VCF-style: chr19-40321019-C-G.
Other names: c.368G>C, p.Gly123Ala (NM_006483.3, NM_006484.3); short protein forms G123A.
Identifiers: ClinVar variation 5000743 (VCV005000743.1).

ClinVar aggregate classification (germline): Uncertain significance (1 of 4 stars; one submission).

Conditions:
DYRK1B-related disorder. Also called: DYRK1B-related condition.

Submission:

PreventionGenetics, part of Exact Sciences
Classification: Uncertain significance for DYRK1B-related condition. Last evaluated: 2024-11-15. Review status: criteria provided, single submitter. Criteria: ACMG Guidelines, 2015. Collection method: clinical testing. Allele origin: germline.
Comment: The DYRK1B c.368G>C variant is predicted to result in the amino acid substitution p.Gly123Ala. To our knowledge, this variant has not been reported in the literature or in a large population database (gnomAD), indicating this variant is rare. At this time, the clinical significance of this variant is uncertain due to the absence of conclusive functional and genetic evidence.